The following is an entry in ClinVar:

ClinVar aggregate classification (germline): Uncertain significance (1 of 4 stars; one submission).

Conditions:
Parathyroid carcinoma (PRTC). Also called: CDC73-Related Parathyroid Carcinoma; Parathyroid gland carcinoma. Identifiers: Orphanet 143, MedGen C0687150, MONDO:0012004, OMIM 608266, HP:0006780.

Submission:

Labcorp Genetics (formerly Invitae), Labcorp
Classification: Uncertain significance for Parathyroid carcinoma. Last evaluated: 2022-05-14. Review status: criteria provided, single submitter. Criteria: Invitae Variant Classification Sherloc (09022015). Collection method: clinical testing. Allele origin: germline.
Comment: In summary, the available evidence is currently insufficient to determine the role of this variant in disease. Therefore, it has been classified as a Variant of Uncertain Significance. Algorithms developed to predict the effect of sequence changes on RNA splicing suggest that this variant may create or strengthen a splice site. This variant has not been reported in the literature in individuals affected with CDC73-related conditions. This variant is not present in population databases (gnomAD no frequency). This sequence change falls in intron 3 of the CDC73 gene. It does not directly change the encoded amino acid sequence of the CDC73 protein.

NM_024529.5(CDC73):c.307+9T>G

Gene: CDC73 (cell division cycle 73; plus strand). Cytogenetic location: 1q31.2.
Variant type: single nucleotide variant.
Coding change: c.307+9T>G on transcript NM_024529.5 (MANE Select); 9 bases into the intron after coding-DNA position 307, T replaced by G.
Molecular consequence: intron variant.
Genome position (GRCh38, 1-based): chr1:193,130,252, T>G. VCF-style: chr1-193130252-T-G. GRCh37 (hg19) VCF-style: chr1-193099382-T-G.
Identifiers: ClinVar variation 1993939 (VCV001993939.4), dbSNP rs2103118004, ClinGen allele CA2580061785.